The following is an entry in ClinVar:

ClinVar aggregate classification (germline): Pathogenic (1 of 4 stars; one submission).

Conditions:
Ehlers-Danlos syndrome, dermatosparaxis type. Also called: EDS VIIC; Dermatosparaxis; Ehlers-Danlos syndrome, type VII, autosomal recessive. Identifiers: Orphanet 1901, MedGen C2700425, MONDO:0009161, OMIM 225410.

Submission:

Myriad Genetics, Inc.
Classification: Pathogenic for Ehlers-Danlos syndrome, dermatosparaxis type. Last evaluated: 2024-05-14. Review status: criteria provided, single submitter. Criteria: Myriad Autosomal Dominant, Autosomal Recessive and X-Linked Classification Criteria (2023). Collection method: clinical testing. Allele origin: unknown.
Comment: NM_014244.4(ADAMTS2):c.99_100insT(P34Sfs*32) is expected to be pathogenic in the context of Ehlers-Danlos syndrome, ADAMTS2-related. This variant is predicted to lead to an abnormal or absent protein product due to the creation of a premature termination codon in ADAMTS2, a gene where loss-of-function variants are known to be pathogenic. Please note: this variant was assessed in the context of healthy population screening.

NM_014244.5(ADAMTS2):c.99_100insT (p.Pro34fs)

Gene: ADAMTS2 (ADAM metallopeptidase with thrombospondin type 1 motif 2; minus strand). Cytogenetic location: 5q35.3.
Variant type: Insertion.
Coding change: c.99_100insT on transcript NM_014244.5 (MANE Select); coding-DNA positions 99 to 100, T inserted.
Protein change: p.Pro34fs; shifts the reading frame from proline 34.
Molecular consequence: frameshift variant.
Genome position: GRCh38 VCF-style: chr5-179345229-G-GA. GRCh37 (hg19) VCF-style: chr5-178772230-G-GA.
Other names: c.99_100insT, p.Pro34fs (NM_021599.4); short protein forms P34fs.
Identifiers: ClinVar variation 5016366 (VCV005016366.1).